The following is an entry in ClinVar:

NM_181523.3(PIK3R1):c.427+81A>C

Gene: PIK3R1 (phosphoinositide-3-kinase regulatory subunit 1; plus strand). Cytogenetic location: 5q13.1.
Variant type: single nucleotide variant.
Coding change: c.427+81A>C on transcript NM_181523.3 (MANE Select); 81 bases into the intron after coding-DNA position 427, A replaced by C.
Molecular consequence: intron variant.
Genome position (GRCh38, 1-based): chr5:68,273,563, A>C. VCF-style: chr5-68273563-A-C. GRCh37 (hg19) VCF-style: chr5-67569391-A-C.
Identifiers: ClinVar variation 1277601 (VCV001277601.4), dbSNP rs2302974, ClinGen allele CA15361422.

ClinVar aggregate classification (germline): Benign. Review status: criteria provided, multiple submitters, no conflicts (2 of 4 stars). 3 submissions from 3 submitters: Benign (3). Last evaluated 2024-01-24.

Allele frequency attached by ClinVar (database versions not stated): 1000 Genomes Project 30x 0.19379; 1000 Genomes Project 0.19928; TOPMed 0.19811.
gnomAD v4.1: 237,312 of 1,185,912 alleles (20%); highest among the groups gnomAD compares: African/African-American, 22%; 24,471 homozygotes.

Submissions (3):

Unidad de Genómica Garrahan, Hospital de Pediatría Garrahan
Classification: Benign. Last evaluated: 2024-01-24. Review status: criteria provided, single submitter. Criteria: ACMG Guidelines, 2015. Collection method: clinical testing. Allele origin: germline. Affected: no. Observed: 24 variant alleles.
Comment: This variant is classified as Benign based on local population frequency. This variant was detected in 25% of patients studied by a panel of primary immunodeficiencies. Number of patients: 24. Only high quality variants are reported.

GeneDx
Classification: Benign. Last evaluated: 2018-07-07. Review status: criteria provided, single submitter. Criteria: GeneDx Variant Classification Process June 2021. Collection method: clinical testing. Allele origin: germline. Affected: yes.

Breakthrough Genomics
Classification: Benign. Review status: criteria provided, single submitter. Criteria: ACMG Guidelines, 2015. Collection method: not provided. Allele origin: germline. Inheritance: Autosomal recessive inheritance. Affected: yes.